The following is an entry in ClinVar:

ClinVar aggregate classification (germline): Benign. Review status: criteria provided, multiple submitters, no conflicts (2 of 4 stars). 2 submissions from 2 submitters: Benign (2). Last evaluated 2018-01-13.

Conditions:
Autosomal recessive limb-girdle muscular dystrophy type 2K. Also called: MUSCULAR DYSTROPHY-DYSTROGLYCANOPATHY (LIMB-GIRDLE), TYPE C, 1; MUSCULAR DYSTROPHY, LIMB-GIRDLE, TYPE 2K. Identifiers: Orphanet 86812, MedGen C1836373, MONDO:0012248, OMIM 609308.

Allele frequency attached by ClinVar (database versions not stated): gnomAD 0.70594 and 0.71725; TOPMed 0.71181; 1000 Genomes Project 30x 0.73798; 1000 Genomes Project 0.74900; gnomAD exomes 0.79231.
gnomAD v4.1: 196,705 of 262,622 alleles (75%); highest among the groups gnomAD compares: East Asian, 92%; 75,435 homozygotes.

Submissions (2):

Illumina Laboratory Services, Illumina
Classification: Benign for Autosomal recessive limb-girdle muscular dystrophy type 2K. Last evaluated: 2018-01-13. Review status: criteria provided, single submitter. Criteria: ICSL Variant Classification Criteria 13 December 2019. Collection method: clinical testing. Allele origin: germline.
Comment: This variant was observed in the ICSL laboratory as part of a predisposition screen in an ostensibly healthy population. It had not been previously curated by ICSL or reported in the Human Gene Mutation Database (HGMD: prior to June 1st, 2018), and was therefore a candidate for classification through an automated scoring system. Utilizing variant allele frequency, disease prevalence and penetrance estimates, and inheritance mode, an automated score was calculated to assess if this variant is too frequent to cause the disease. Based on the score and internal cut-off values, a variant classified as benign is not then subjected to further curation. The score for this variant resulted in a classification of benign for this disease.

Breakthrough Genomics
Classification: Benign. Review status: criteria provided, single submitter. Criteria: ACMG Guidelines, 2015. Collection method: not provided. Allele origin: germline. Inheritance: Autosomal recessive inheritance. Affected: yes.

NM_001077365.2(POMT1):c.*453T>C

Gene: POMT1 (protein O-mannosyltransferase 1; plus strand). Cytogenetic location: 9q34.13.
Variant type: single nucleotide variant.
Coding change: c.*453T>C on transcript NM_001077365.2 (MANE Select); 453 bases downstream of the stop codon, T replaced by C.
Molecular consequence: 3 prime UTR variant. On other transcripts: non-coding transcript variant (10).
Genome position (GRCh38, 1-based): chr9:131,523,559, T>C. VCF-style: chr9-131523559-T-C. GRCh37 (hg19) VCF-style: chr9-134398946-T-C.
Other names: c.*453T>C (NM_001077366.2, NM_001136113.2, NM_001136114.2 and 15 more transcripts).
Identifiers: ClinVar variation 365295 (VCV000365295.6), dbSNP rs11005, ClinGen allele CA10632874.